The following is an entry in ClinVar:

ClinVar aggregate classification (germline): Benign/Likely benign. Review status: criteria provided, multiple submitters, no conflicts (2 of 4 stars). 10 submissions from 10 submitters: Benign (5); Likely benign (4). 1 of the submissions does not count toward it. Last evaluated 2026-09-01.

Conditions:
ZEB2-related disorder. Also called: ZEB2-related condition.
Inborn genetic diseases. Identifiers: MedGen C0950123, MeSH D030342.
Mowat-Wilson syndrome (MOWS). Also called: Classic Mowat-Wilson Syndrome. Identifiers: Orphanet 2152, MedGen C1856113, MONDO:0009341, OMIM 235730.

Allele frequency attached by ClinVar (database versions not stated): gnomAD exomes 0.00026; ExAC 0.00029; ESP Exome Variant Server 0.00069; 1000 Genomes Project 0.00080; 1000 Genomes Project 30x 0.00109; TOPMed 0.00133.
gnomAD v4.1: 299 of 1,613,908 alleles (0.019%); highest among the groups gnomAD compares: African/African-American, 0.32%; 1 homozygote.

Submissions (10):

CeGaT Center for Human Genetics Tuebingen
Classification: Likely benign. Last evaluated: 2026-09-01. Review status: criteria provided, single submitter. Criteria: CeGaT Center For Human Genetics Tuebingen Variant Classification Criteria Version 2. Collection method: clinical testing. Allele origin: germline. Affected: yes. Observed: 3 variant alleles.
Comment: ZEB2: BS1

Labcorp Genetics (formerly Invitae), Labcorp
Classification: Likely benign for Mowat-Wilson syndrome. Last evaluated: 2026-01-26. Review status: criteria provided, single submitter. Criteria: Invitae Variant Classification Sherloc (09022015). Collection method: clinical testing. Allele origin: germline.

Blueprint Genetics
Classification: Likely benign. Last evaluated: 2023-09-08. Review status: criteria provided, single submitter. Criteria: ACMG Guidelines, 2015. Collection method: clinical testing. Allele origin: germline.

Genome-Nilou Lab
Classification: Benign for Mowat-Wilson syndrome. Last evaluated: 2021-11-07. Review status: criteria provided, single submitter. Criteria: ACMG Guidelines, 2015. Collection method: clinical testing. Allele origin: germline. Affected: no.

Ambry Genetics
Classification: Benign for Inborn genetic diseases. Last evaluated: 2019-03-13. Review status: criteria provided, single submitter. Criteria: Ambry Variant Classification Scheme 2023. Collection method: clinical testing. Allele origin: germline.

Eurofins Ntd Llc (ga)
Classification: Benign. Last evaluated: 2017-05-30. Review status: criteria provided, single submitter. Criteria: EGL Classification Definitions 2015. Collection method: clinical testing. Allele origin: germline. Observed: 1 variant allele, 1 heterozygote.

GeneDx
Classification: Benign. Last evaluated: 2016-04-05. Review status: criteria provided, single submitter. Criteria: GeneDx Variant Classification (06012015). Collection method: clinical testing. Allele origin: germline. Affected: yes.
Comment: This variant is considered likely benign or benign based on one or more of the following criteria: it is a conservative change, it occurs at a poorly conserved position in the protein, it is predicted to be benign by multiple in silico algorithms, and/or has population frequency not consistent with disease.

Genetic Services Laboratory, University of Chicago
Classification: Benign. Last evaluated: 2016-03-30. Review status: criteria provided, single submitter. Criteria: ACMG Guidelines, 2015. Collection method: clinical testing. Allele origin: germline. Affected: no.

Breakthrough Genomics
Classification: Likely benign. Review status: criteria provided, single submitter. Criteria: ACMG Guidelines, 2015. Collection method: not provided. Allele origin: germline. Inheritance: Autosomal dominant inheritance. Affected: yes.

PreventionGenetics, part of Exact Sciences
Classification: Likely benign for ZEB2-related condition. Last evaluated: 2019-09-24. Review status: no assertion criteria provided. Collection method: clinical testing. Allele origin: germline. Not counted in ClinVar's aggregate classification.
Comment: This variant is classified as likely benign based on ACMG/AMP sequence variant interpretation guidelines (Richards et al. 2015 PMID: 25741868, with internal and published modifications).

NM_014795.4(ZEB2):c.1438G>T (p.Ala480Ser)

Gene: ZEB2 (zinc finger E-box binding homeobox 2; minus strand). Cytogenetic location: 2q22.3.
Variant type: single nucleotide variant.
Coding change: c.1438G>T on transcript NM_014795.4 (MANE Select); coding-DNA position 1438, G replaced by T.
Protein change: p.Ala480Ser; replaces alanine 480 with serine.
Molecular consequence: missense variant.
Genome position (GRCh38, 1-based): chr2:144,399,749, C>A on the plus strand (G>T on the coding strand, the complement: ZEB2 is on the minus strand). VCF-style: chr2-144399749-C-A. GRCh37 (hg19) VCF-style: chr2-145157316-C-A.
Other names: p.A480S:GCT>TCT; c.1366G>T, p.Ala456Ser (NM_001171653.2); short protein forms A480S, A456S.
Identifiers: ClinVar variation 160317 (VCV000160317.34), dbSNP rs143854197, ClinGen allele CA295206.